The following is an entry in ClinVar:

NM_023110.3(FGFR1):c.1269G>A (p.Leu423=)

Gene: FGFR1 (fibroblast growth factor receptor 1; minus strand). Cytogenetic location: 8p11.23.
Variant type: single nucleotide variant.
Coding change: c.1269G>A on transcript NM_023110.3 (MANE Select); coding-DNA position 1269, G replaced by A.
Protein change: p.Leu423=; no amino-acid change (leucine 423 retained).
Molecular consequence: synonymous variant.
Genome position (GRCh38, 1-based): chr8:38,419,548, C>T on the plus strand (G>A on the coding strand, the complement: FGFR1 is on the minus strand). VCF-style: chr8-38419548-C-T. GRCh37 (hg19) VCF-style: chr8-38277066-C-T.
Other names: c.1269G>A, p.Leu423= (NM_001174063.2); c.1245G>A, p.Leu415= (NM_001174064.2); c.1263G>A, p.Leu421= (NM_001174065.2, NM_001354367.2, NM_001354369.2 and 1 more transcripts); c.1002G>A, p.Leu334= (NM_001174066.2, NM_023105.3); c.1362G>A, p.Leu454= (NM_001174067.2); c.996G>A, p.Leu332= (NM_001354368.2, NM_001354370.2, NM_023106.3).
Identifiers: ClinVar variation 695843 (VCV000695843.49), dbSNP rs144131616, ClinGen allele CA4718450.

ClinVar aggregate classification (germline): Conflicting classifications of pathogenicity. Review status: criteria provided, conflicting classifications (1 of 4 stars). 5 submissions from 5 submitters: Uncertain significance (1); Benign (1); Likely benign (3). Last evaluated 2026-05-04.

Conditions:
Pfeiffer syndrome (ACS5). Also called: ACS V. Identifiers: Orphanet 710, MedGen C0220658, MONDO:0007043, OMIM 101600.
Hypogonadotropic hypogonadism 2 with or without anosmia (HH2). Also called: HYPOGONADOTROPIC HYPOGONADISM 2 WITHOUT ANOSMIA; HYPOGONADOTROPIC HYPOGONADISM 2 WITH OR WITHOUT ANOSMIA, SUSCEPTIBILITY TO; HYPOGONADOTROPIC HYPOGONADISM 2 WITHOUT ANOSMIA, SUSCEPTIBILITY TO; FGFR1-Related GnRH Deficiency (Kallmann Syndrome 2). Identifiers: Orphanet 478, MedGen C1563720, MONDO:0007844, OMIM 147950. Disease mechanism: loss of function.

Allele frequency attached by ClinVar (database versions not stated): ESP Exome Variant Server 0.00008; TOPMed 0.00008; gnomAD 0.00016; 1000 Genomes Project 0.00020; ExAC 0.00022; 1000 Genomes Project 30x 0.00031.
gnomAD v4.1: 194 of 1,614,140 alleles (0.012%); highest among the groups gnomAD compares: South Asian, 0.018%; no homozygotes.

Submissions (5):

Women's Health and Genetics/Laboratory Corporation of America, LabCorp
Classification: Likely benign. Last evaluated: 2026-05-04. Review status: criteria provided, single submitter. Criteria: LabCorp Variant Classification Summary - May 2015. Collection method: clinical testing. Allele origin: germline.

Labcorp Genetics (formerly Invitae), Labcorp
Classification: Benign for Pfeiffer syndrome; Hypogonadotropic hypogonadism 2 with or without anosmia. Last evaluated: 2026-01-12. Review status: criteria provided, single submitter. Criteria: Invitae Variant Classification Sherloc (09022015). Collection method: clinical testing. Allele origin: germline.

Blueprint Genetics
Classification: Likely benign. Last evaluated: 2024-11-18. Review status: criteria provided, single submitter. Criteria: ACMG Guidelines, 2015. Collection method: clinical testing. Allele origin: germline.

GeneDx
Classification: Uncertain significance. Last evaluated: 2021-11-26. Review status: criteria provided, single submitter. Criteria: GeneDx Variant Classification Process June 2021. Collection method: clinical testing. Allele origin: germline. Affected: yes.
Comment: In-silico analysis is inconclusive as to whether the variant alters gene splicing. In the absence of RNA/functional studies, the actual effect of this sequence change is unknown.; Has not been previously published as pathogenic or benign to our knowledge

CeGaT Center for Human Genetics Tuebingen
Classification: Likely benign. Last evaluated: 2021-03-01. Review status: criteria provided, single submitter. Criteria: CeGaT Center For Human Genetics Tuebingen Variant Classification Criteria Version 2. Collection method: clinical testing. Allele origin: germline. Affected: yes. Observed: 1 variant allele.